The following is an entry in ClinVar:

NM_000057.4(BLM):c.3974A>G (p.Tyr1325Cys)

Gene: BLM (BLM RecQ like helicase; plus strand). Cytogenetic location: 15q26.1.
Variant type: single nucleotide variant.
Coding change: c.3974A>G on transcript NM_000057.4 (MANE Select); coding-DNA position 3974, A replaced by G.
Protein change: p.Tyr1325Cys; replaces tyrosine 1325 with cysteine.
Molecular consequence: missense variant.
Genome position (GRCh38, 1-based): chr15:90,811,304, A>G. VCF-style: chr15-90811304-A-G. GRCh37 (hg19) VCF-style: chr15-91354534-A-G.
Other names: c.3974A>G, p.Tyr1325Cys (NM_001287246.2); c.3581A>G, p.Tyr1194Cys (NM_001287247.2); c.2849A>G, p.Tyr950Cys (NM_001287248.2); short protein forms Y1325C, Y950C, Y1194C.
Identifiers: ClinVar variation 3480869 (VCV003480869.1).

ClinVar aggregate classification (germline): Uncertain significance (1 of 4 stars; one submission).

Conditions:
Hereditary cancer-predisposing syndrome. Also called: Tumor predisposition; Neoplastic Syndromes, Hereditary; Hereditary Cancer Syndrome; Hereditary neoplastic syndrome. Identifiers: Orphanet 140162, MedGen C0027672, MeSH D009386, MONDO:0015356.

gnomAD v4.1: 4 of 1,614,052 alleles (0.00025%); highest among the groups gnomAD compares: South Asian, 0.0044%; no homozygotes.

Submission:

Ambry Genetics
Classification: Uncertain significance for Hereditary cancer-predisposing syndrome. Last evaluated: 2024-10-08. Review status: criteria provided, single submitter. Criteria: Ambry Variant Classification Scheme 2023. Collection method: clinical testing. Allele origin: germline.
Comment: The p.Y1325C variant (also known as c.3974A>G), located in coding exon 20 of the BLM gene, results from an A to G substitution at nucleotide position 3974. The tyrosine at codon 1325 is replaced by cysteine, an amino acid with highly dissimilar properties. This amino acid position is conserved. In addition, this alteration is predicted to be deleterious by in silico analysis. Based on the available evidence, the clinical significance of this variant remains unclear.